The following is an entry in ClinVar:

ClinVar aggregate classification (germline): Likely pathogenic (1 of 4 stars; one submission).

Submission:

Labcorp Genetics (formerly Invitae), Labcorp
Classification: Likely pathogenic. Last evaluated: 2024-01-11. Review status: criteria provided, single submitter. Criteria: Invitae Variant Classification Sherloc (09022015). Collection method: clinical testing. Allele origin: germline.
Comment: This sequence change replaces glycine, which is neutral and non-polar, with glutamic acid, which is acidic and polar, at codon 550 of the ABCA4 protein (p.Gly550Glu). This variant is not present in population databases (gnomAD no frequency). This variant has not been reported in the literature in individuals affected with ABCA4-related conditions. Advanced modeling of protein sequence and biophysical properties (such as structural, functional, and spatial information, amino acid conservation, physicochemical variation, residue mobility, and thermodynamic stability) performed at Invitae indicates that this missense variant is expected to disrupt ABCA4 protein function with a positive predictive value of 95%. This variant disrupts the p.Gly550 amino acid residue in ABCA4. Other variant(s) that disrupt this residue have been determined to be pathogenic (PMID: 11726554, 28559085, 29925512). This suggests that this residue is clinically significant, and that variants that disrupt this residue are likely to be disease-causing. In summary, the currently available evidence indicates that the variant is pathogenic, but additional data are needed to prove that conclusively. Therefore, this variant has been classified as Likely Pathogenic.

Literature cited by the submitters: PubMed 11726554; PubMed 28559085; PubMed 29925512.

NM_000350.3(ABCA4):c.1649G>A (p.Gly550Glu)

Gene: ABCA4 (ATP binding cassette subfamily A member 4; minus strand). Cytogenetic location: 1p22.1.
Variant type: single nucleotide variant.
Coding change: c.1649G>A on transcript NM_000350.3 (MANE Select); coding-DNA position 1649, G replaced by A.
Protein change: p.Gly550Glu; replaces glycine 550 with glutamic acid.
Molecular consequence: missense variant.
Genome position (GRCh38, 1-based): chr1:94,063,223, C>T on the plus strand (G>A on the coding strand, the complement: ABCA4 is on the minus strand). VCF-style: chr1-94063223-C-T. GRCh37 (hg19) VCF-style: chr1-94528779-C-T.
Other names: c.1649G>A, p.Gly550Glu (NM_001425324.1); short protein forms G550E.
Identifiers: ClinVar variation 2708916 (VCV002708916.3), dbSNP rs2523843951, ClinGen allele CA341280329.
Genomic context (GRCh38, chr1:94,063,223, plus strand): 5'-TTATACTTCACGTGGGGTGGTAGAGAGCTGGTCCAGGGATACATGTCAGGGAATACCACT[C>T]CGGCCCAGAACATGTTTTCCTCCAGTAGAGAGAGGGCACGTTGGGTGAGCTGAGTTTCAT-3'
Protein context (NP_000341.2, residues 540-560): SLLEENMFWA[Gly550Glu]VVFPDMYPWT